The following is an entry in ClinVar:

NM_001267550.2(TTN):c.56850G>A (p.Val18950=)

Genes: TTN-AS1 (TTN antisense RNA 1; plus strand), TTN (titin; minus strand). Cytogenetic location: 2q31.2.
Variant type: single nucleotide variant.
Coding change: c.56850G>A on transcript NM_001267550.2 (MANE Select); coding-DNA position 56850, G replaced by A.
Protein change: p.Val18950=; no amino-acid change (valine 18950 retained).
Molecular consequence: synonymous variant.
Genome position (GRCh38, 1-based): chr2:178,598,860, C>T on the plus strand (G>A on the coding strand, the complement: TTN is on the minus strand). VCF-style: chr2-178598860-C-T. GRCh37 (hg19) VCF-style: chr2-179463587-C-T.
Other names: c.51927G>A, p.Val17309= (NM_001256850.1); c.29655G>A, p.Val9885= (NM_003319.4); c.49146G>A, p.Val16382= (NM_133378.4); c.30030G>A, p.Val10010= (NM_133432.3); c.30231G>A, p.Val10077= (NM_133437.4).
Identifiers: ClinVar variation 195840 (VCV000195840.20), dbSNP rs368068200, ClinGen allele CA242485.

ClinVar aggregate classification (germline): Conflicting classifications of pathogenicity. Review status: criteria provided, conflicting classifications (1 of 4 stars). 5 submissions from 5 submitters: Uncertain significance (1); Benign (1); Likely benign (3). Last evaluated 2026-01-20.

Conditions:
Cardiovascular phenotype. Identifiers: MedGen CN230736.
Autosomal recessive limb-girdle muscular dystrophy type 2J (LGMDR10). Also called: MUSCULAR DYSTROPHY, LIMB-GIRDLE, AUTOSOMAL RECESSIVE 10; Limb-girdle muscular dystrophy, type 2J. Identifiers: Orphanet 140922, MedGen C1837342, MONDO:0012127, OMIM 608807.
Dilated cardiomyopathy 1G (CMD1G). Identifiers: Orphanet 154, MedGen C1858763, MONDO:0011400, OMIM 604145.

Allele frequency attached by ClinVar (database versions not stated): gnomAD exomes 0.00001; ESP Exome Variant Server 0.00008; gnomAD 0.00012; TOPMed 0.00012.
gnomAD v4.1: 37 of 1,613,150 alleles (0.0023%); highest among the groups gnomAD compares: African/African-American, 0.028%; no homozygotes.

Submissions (5):

Labcorp Genetics (formerly Invitae), Labcorp
Classification: Likely benign for Dilated cardiomyopathy 1G; Autosomal recessive limb-girdle muscular dystrophy type 2J. Last evaluated: 2026-01-20. Review status: criteria provided, single submitter. Criteria: Invitae Variant Classification Sherloc (09022015). Collection method: clinical testing. Allele origin: germline.

Blueprint Genetics
Classification: Likely benign. Last evaluated: 2023-10-19. Review status: criteria provided, single submitter. Criteria: ACMG Guidelines, 2015. Collection method: clinical testing. Allele origin: germline.

GeneDx
Classification: Benign. Last evaluated: 2015-12-01. Review status: criteria provided, single submitter. Criteria: GeneDx Variant Classification (06012015). Collection method: clinical testing. Allele origin: germline. Affected: yes.
Comment: This variant is considered likely benign or benign based on one or more of the following criteria: it is a conservative change, it occurs at a poorly conserved position in the protein, it is predicted to be benign by multiple in silico algorithms, and/or has population frequency not consistent with disease.

Ambry Genetics
Classification: Likely benign for Cardiovascular phenotype. Last evaluated: 2015-11-20. Review status: criteria provided, single submitter. Criteria: Ambry Variant Classification Scheme 2023. Collection method: clinical testing. Allele origin: germline.

Eurofins Ntd Llc (ga)
Classification: Uncertain significance. Last evaluated: 2014-12-09. Review status: criteria provided, single submitter. Criteria: EGL Classification Definitions 2015. Collection method: clinical testing. Allele origin: germline. Observed: 2 variant alleles, 2 heterozygotes.